The following is an entry in ClinVar:

ClinVar aggregate classification (germline): Likely benign (0 of 4 stars; one submission).

Conditions:
LRP1B-related disorder. Also called: LRP1B-related condition.

Allele frequency attached by ClinVar (database versions not stated): gnomAD 0.00001; gnomAD exomes 0.00001; TOPMed 0.00002; ExAC 0.00003; ESP Exome Variant Server 0.00023.
gnomAD v4.1: 16 of 1,612,284 alleles (0.00099%); highest among the groups gnomAD compares: Non-Finnish European, 0.0014%; no homozygotes.

Submission:

PreventionGenetics, part of Exact Sciences
Classification: Likely benign for LRP1B-related condition. Last evaluated: 2019-08-28. Review status: no assertion criteria provided. Collection method: clinical testing. Allele origin: germline.
Comment: This variant is classified as likely benign based on ACMG/AMP sequence variant interpretation guidelines (Richards et al. 2015 PMID: 25741868, with internal and published modifications).

NM_018557.3(LRP1B):c.10887G>T (p.Val3629=)

Gene: LRP1B (LDL receptor related protein 1B; minus strand). Cytogenetic location: 2q22.1.
Variant type: single nucleotide variant.
Coding change: c.10887G>T on transcript NM_018557.3 (MANE Select); coding-DNA position 10887, G replaced by T.
Protein change: p.Val3629=; no amino-acid change (valine 3629 retained).
Molecular consequence: synonymous variant.
Genome position (GRCh38, 1-based): chr2:140,370,831, C>A on the plus strand (G>T on the coding strand, the complement: LRP1B is on the minus strand). VCF-style: chr2-140370831-C-A. GRCh37 (hg19) VCF-style: chr2-141128400-C-A.
Identifiers: ClinVar variation 3052550 (VCV003052550.2), dbSNP rs372614781, ClinGen allele CA1893253.
Genomic context (GRCh38, chr2:140,370,831, plus strand): 5'-TCTAATTGGAATACAGTGGGCTTTATTTTTGCACCGAAACTGATCTTCCTTACATTCAGT[C>A]ACACAGTCCATCTGTTCAAATACAAATGGACACTGCAGTTTTCATTAATGATAATGATAC-3'
Protein context (NP_061027.2, residues 3619-3639): CADGSDEMDC[Val3629=]TECKEDQFRC